The following is an entry in ClinVar:

ClinVar aggregate classification (germline): Uncertain significance (1 of 4 stars; one submission).

Conditions:
Hereditary cancer-predisposing syndrome. Also called: Tumor predisposition; Hereditary neoplastic syndrome; Neoplastic Syndromes, Hereditary; Hereditary Cancer Syndrome. Identifiers: Orphanet 140162, MedGen C0027672, MeSH D009386, MONDO:0015356.

Submission:

Ambry Genetics
Classification: Uncertain significance for Hereditary cancer-predisposing syndrome. Last evaluated: 2025-04-06. Review status: criteria provided, single submitter. Criteria: Ambry Variant Classification Scheme 2023. Collection method: clinical testing. Allele origin: germline.
Comment: The p.K1500E variant (also known as c.4498A>G), located in coding exon 13 of the BRCA1 gene, results from an A to G substitution at nucleotide position 4498. The lysine at codon 1500 is replaced by glutamic acid, an amino acid with similar properties. This amino acid position is conserved. In addition, the in silico prediction for this alteration is inconclusive. Based on the available evidence, the clinical significance of this variant remains unclear.

NM_007294.4(BRCA1):c.4498A>G (p.Lys1500Glu)

Gene: BRCA1 (BRCA1 DNA repair associated; minus strand). Cytogenetic location: 17q21.31.
Variant type: single nucleotide variant.
Coding change: c.4498A>G on transcript NM_007294.4 (MANE Select); coding-DNA position 4498, A replaced by G.
Protein change: p.Lys1500Glu; replaces lysine 1500 with glutamic acid.
Molecular consequence: missense variant. On other transcripts: intron variant (3).
Genome position (GRCh38, 1-based): chr17:43,074,508, T>C on the plus strand (A>G on the coding strand, the complement: BRCA1 is on the minus strand). VCF-style: chr17-43074508-T-C. GRCh37 (hg19) VCF-style: chr17-41226525-T-C.
Other names: c.805A>G, p.Lys269Glu (NM_001408511.1); c.685A>G, p.Lys229Glu (NM_001408512.1); c.4357A>G, p.Lys1453Glu (NM_007297.4, NM_001407692.1, NM_001407694.1 and 13 more transcripts); c.1186A>G, p.Lys396Glu (NM_007298.4, NM_007299.4, NM_001408472.1 and 12 more transcripts); c.4561A>G, p.Lys1521Glu (NM_007300.4, NM_001407583.1, NM_001407585.1 and 1 more transcripts); c.836-3270A>G (NM_001408513.1); c.4214-3270A>G (NM_001407964.1); c.838+7896A>G (NM_001408514.1); and 71 more; short protein forms K1203E, K1331E, K1410E, K1412E, K1433E, K1452E, K1472E, K1497E.
Identifiers: ClinVar variation 3992608 (VCV003992608.1).